The following is an entry in ClinVar:

NM_004260.4(RECQL4):c.2306T>C (p.Val769Ala)

Gene: RECQL4 (RecQ like helicase 4; minus strand). Cytogenetic location: 8q24.3.
Variant type: single nucleotide variant.
Coding change: c.2306T>C on transcript NM_004260.4 (MANE Select); coding-DNA position 2306, T replaced by C.
Protein change: p.Val769Ala; replaces valine 769 with alanine.
Molecular consequence: missense variant.
Genome position (GRCh38, 1-based): chr8:144,513,375, A>G on the plus strand (T>C on the coding strand, the complement: RECQL4 is on the minus strand). VCF-style: chr8-144513375-A-G. GRCh37 (hg19) VCF-style: chr8-145738758-A-G.
Other names: short protein forms V769A.
Identifiers: ClinVar variation 1319128 (VCV001319128.6), dbSNP rs1827622405, ClinGen allele CA372678379.

ClinVar aggregate classification (germline): Uncertain significance. Review status: criteria provided, multiple submitters, no conflicts (2 of 4 stars). 2 submissions from 2 submitters: Uncertain significance (2). Last evaluated 2023-05-04.

Conditions:
Baller-Gerold syndrome (BGS). Also called: CRANIOSYNOSTOSIS WITH RADIAL DEFECTS. Identifiers: Orphanet 1225, MedGen C0265308, MONDO:0009039, OMIM 218600.

Allele frequency attached by ClinVar (database versions not stated): gnomAD exomes below 0.00001.

Submissions (2):

Labcorp Genetics (formerly Invitae), Labcorp
Classification: Uncertain significance for Baller-Gerold syndrome. Last evaluated: 2023-05-04. Review status: criteria provided, single submitter. Criteria: Invitae Variant Classification Sherloc (09022015). Collection method: clinical testing. Allele origin: germline.
Comment: In summary, the available evidence is currently insufficient to determine the role of this variant in disease. Therefore, it has been classified as a Variant of Uncertain Significance. Advanced modeling of protein sequence and biophysical properties (such as structural, functional, and spatial information, amino acid conservation, physicochemical variation, residue mobility, and thermodynamic stability) performed at Invitae indicates that this missense variant is not expected to disrupt RECQL4 protein function. ClinVar contains an entry for this variant (Variation ID: 1319128). This variant has not been reported in the literature in individuals affected with RECQL4-related conditions. This variant is not present in population databases (gnomAD no frequency). This sequence change replaces valine, which is neutral and non-polar, with alanine, which is neutral and non-polar, at codon 769 of the RECQL4 protein (p.Val769Ala).

Institute for Clinical Genetics, University Hospital TU Dresden, University Hospital TU Dresden
Classification: Uncertain significance. Last evaluated: 2021-11-03. Review status: criteria provided, single submitter. Criteria: ACMG Guidelines, 2015. Collection method: clinical testing. Allele origin: germline.